The following is an entry in ClinVar:

ClinVar aggregate classification (germline): Likely benign. Review status: criteria provided, multiple submitters, no conflicts (2 of 4 stars). 2 submissions from 2 submitters: Likely benign (2). Last evaluated 2025-08-18.

Conditions:
TTN-related disorder. Also called: TTN-related condition; TTN-related disease; TTN-related disorders.
Autosomal recessive limb-girdle muscular dystrophy type 2J (LGMDR10). Also called: Limb-girdle muscular dystrophy, type 2J; MUSCULAR DYSTROPHY, LIMB-GIRDLE, AUTOSOMAL RECESSIVE 10. Identifiers: Orphanet 140922, MedGen C1837342, MONDO:0012127, OMIM 608807.
Dilated cardiomyopathy 1G (CMD1G). Identifiers: Orphanet 154, MedGen C1858763, MONDO:0011400, OMIM 604145.

Allele frequency attached by ClinVar (database versions not stated): gnomAD exomes 0.00001 and 0.00002; ExAC 0.00002; TOPMed 0.00006; gnomAD 0.00007.
gnomAD v4.1: 17 of 1,612,170 alleles (0.0011%); highest among the groups gnomAD compares: African/African-American, 0.012%; no homozygotes.

Submissions (2):

Labcorp Genetics (formerly Invitae), Labcorp
Classification: Likely benign for Dilated cardiomyopathy 1G; Autosomal recessive limb-girdle muscular dystrophy type 2J. Last evaluated: 2025-08-18. Review status: criteria provided, single submitter. Criteria: Invitae Variant Classification Sherloc (09022015). Collection method: clinical testing. Allele origin: germline.

PreventionGenetics, part of Exact Sciences
Classification: Likely benign for TTN-related condition. Last evaluated: 2025-05-22. Review status: criteria provided, single submitter. Criteria: ACMG Guidelines, 2015. Collection method: clinical testing. Allele origin: germline.
Comment: This variant is classified as likely benign based on ACMG/AMP sequence variant interpretation guidelines (Richards et al. 2015 PMID: 25741868, with internal and published modifications).

NM_001267550.2(TTN):c.32187G>A (p.Thr10729=)

Gene: TTN (titin; minus strand). Cytogenetic location: 2q31.2.
Variant type: single nucleotide variant.
Coding change: c.32187G>A on transcript NM_001267550.2 (MANE Select); coding-DNA position 32187, G replaced by A.
Protein change: p.Thr10729=; no amino-acid change (threonine 10729 retained).
Molecular consequence: synonymous variant. On other transcripts: intron variant (3).
Genome position (GRCh38, 1-based): chr2:178,688,687, C>T on the plus strand (G>A on the coding strand, the complement: TTN is on the minus strand). VCF-style: chr2-178688687-C-T. GRCh37 (hg19) VCF-style: chr2-179553414-C-T.
Other names: c.31236G>A, p.Thr10412= (NM_001256850.1); c.28455G>A, p.Thr9485= (NM_133378.4); c.13283-46370G>A (NM_003319.4); c.13859-46370G>A (NM_133437.4); c.13658-46370G>A (NM_133432.3).
Identifiers: ClinVar variation 1109155 (VCV001109155.10), dbSNP rs759267144, ClinGen allele CA1998711.
Genomic context (GRCh38, chr2:178,688,687, plus strand): 5'-TTGAGGAAACACACACAAACTCATTTATCCCCTGACTTCCGATTATATACCTTCGTGCCG[C>T]GTGACTTCCACTCTTTGAGGAACTGCGAAGGATAGTTTTTCTTCAGCAACAAATCTCTTT-3'
Protein context (NP_001254479.2, residues 10719-10739): SFAVPQRVEV[Thr10729=]RHEVSAEEEW